The following is an entry in ClinVar:

NM_002857.4(PEX19):c.751G>A (p.Val251Met)

Gene: PEX19 (peroxisomal biogenesis factor 19; minus strand). Cytogenetic location: 1q23.2.
Variant type: single nucleotide variant.
Coding change: c.751G>A on transcript NM_002857.4 (MANE Select); coding-DNA position 751, G replaced by A.
Protein change: p.Val251Met; replaces valine 251 with methionine.
Molecular consequence: missense variant. On other transcripts: non-coding transcript variant (2).
Genome position (GRCh38, 1-based): chr1:160,280,090, C>T on the plus strand (G>A on the coding strand, the complement: PEX19 is on the minus strand). VCF-style: chr1-160280090-C-T. GRCh37 (hg19) VCF-style: chr1-160249880-C-T.
Other names: c.751G>A, p.Val251Met (NM_001193644.1); short protein forms V251M.
Identifiers: ClinVar variation 1989741 (VCV001989741.2), dbSNP rs545011286, ClinGen allele CA1197266.
Genomic context (GRCh38, chr1:160,280,090, plus strand): 5'-AAGTGGACAGCACCAGTGGGCAGAAGGCAAGAGGCCTTACCTGCTGCATAAGATCCAGCA[C>T]CATCTCAAAACGAGCCTTTTGAGTGGTTTCACTGTCTGTGGGGGTCTCTGCCTCAAACTG-3'
Protein context (NP_002848.1, residues 241-261): ETTQKARFEM[Val251Met]LDLMQQLQDL

ClinVar aggregate classification (germline): Uncertain significance (1 of 4 stars; one submission).

Conditions:
Peroxisome biogenesis disorder 12A (Zellweger). Also called: Peroxisome biogenesis disorder 12A. Identifiers: Orphanet 912, MedGen C3554002, MONDO:0013951, OMIM 614886.

Allele frequency attached by ClinVar (database versions not stated): TOPMed below 0.00001; gnomAD 0.00001; gnomAD exomes 0.00003; ExAC 0.00004; 1000 Genomes Project 30x 0.00016; 1000 Genomes Project 0.00020.

Submission:

Labcorp Genetics (formerly Invitae), Labcorp
Classification: Uncertain significance for Peroxisome biogenesis disorder 12A (Zellweger). Last evaluated: 2022-10-04. Review status: criteria provided, single submitter. Criteria: Invitae Variant Classification Sherloc (09022015). Collection method: clinical testing. Allele origin: germline.
Comment: This variant is present in population databases (rs545011286, gnomAD 0.04%). In summary, the available evidence is currently insufficient to determine the role of this variant in disease. Therefore, it has been classified as a Variant of Uncertain Significance. Advanced modeling of protein sequence and biophysical properties (such as structural, functional, and spatial information, amino acid conservation, physicochemical variation, residue mobility, and thermodynamic stability) performed at Invitae indicates that this missense variant is not expected to disrupt PEX19 protein function. This variant has not been reported in the literature in individuals affected with PEX19-related conditions. This sequence change replaces valine, which is neutral and non-polar, with methionine, which is neutral and non-polar, at codon 251 of the PEX19 protein (p.Val251Met).